The following is an entry in ClinVar:

ClinVar aggregate classification (germline): Uncertain significance (1 of 4 stars; one submission).

Allele frequency attached by ClinVar (database versions not stated): gnomAD 0.00001; gnomAD exomes 0.00001.

Submission:

Labcorp Genetics (formerly Invitae), Labcorp
Classification: Uncertain significance. Last evaluated: 2022-07-12. Review status: criteria provided, single submitter. Criteria: Invitae Variant Classification Sherloc (09022015). Collection method: clinical testing. Allele origin: germline.
Comment: In summary, the available evidence is currently insufficient to determine the role of this variant in disease. Therefore, it has been classified as a Variant of Uncertain Significance. Algorithms developed to predict the effect of missense changes on protein structure and function output the following: SIFT: "Tolerated"; PolyPhen-2: "Benign"; Align-GVGD: "Class C0". The leucine amino acid residue is found in multiple mammalian species, which suggests that this missense change does not adversely affect protein function. This variant has not been reported in the literature in individuals affected with SNIP1-related conditions. This variant is present in population databases (no rsID available, gnomAD 0.002%). This sequence change replaces proline, which is neutral and non-polar, with leucine, which is neutral and non-polar, at codon 207 of the SNIP1 protein (p.Pro207Leu).

NM_024700.4(SNIP1):c.620C>T (p.Pro207Leu)

Genes: SNIP1 (Smad nuclear interacting protein 1; minus strand), LOC126805704 (BRD4-independent group 4 enhancer GRCh37_chr1:38005292-38006491; plus strand). Cytogenetic location: 1p34.3.
Variant type: single nucleotide variant.
Coding change: c.620C>T on transcript NM_024700.4 (MANE Select); coding-DNA position 620, C replaced by T.
Protein change: p.Pro207Leu; replaces proline 207 with leucine.
Molecular consequence: missense variant.
Genome position (GRCh38, 1-based): chr1:37,540,463, G>A on the plus strand (C>T on the coding strand, the complement: SNIP1 is on the minus strand). VCF-style: chr1-37540463-G-A. GRCh37 (hg19) VCF-style: chr1-38006064-G-A.
Other names: short protein forms P207L.
Identifiers: ClinVar variation 2170796 (VCV002170796.4), dbSNP rs1323345650, ClinGen allele CA339451001.